The following is an entry in ClinVar:

ClinVar aggregate classification (germline): Likely pathogenic. Review status: reviewed by expert panel (3 of 4 stars). 3 submissions from 3 submitters: Likely pathogenic (1). 2 of the submissions do not count toward it. Last evaluated 2025-09-29.

Conditions:
AIPL1-related disorder. Also called: AIPL1-related disorders; AIPL1-related condition. Identifiers: MedGen CN239169.
Leber congenital amaurosis 4 (LCA4). Identifiers: MedGen C1858386, MONDO:0011458, OMIM 604393.
AIPL1-related retinopathy. Also called: AIPL1 retinopathy. Identifiers: MedGen CN305590, MONDO:0100438.

Submissions (3):

ClinGen Leber Congenital Amaurosis/early Onset Retinal Dystrophy Variant Curation Expert Panel, ClinGen
Classification: Likely pathogenic for AIPL1-related retinopathy. Last evaluated: 2025-09-29. Review status: reviewed by expert panel. Criteria: ClinGen LCAeoRD ACMG Specifications AIPL1 V1.0.0. Collection method: curation. Allele origin: germline. Inheritance: Autosomal recessive inheritance.
Comment: NM_014336.5(AIPL1):c.727_729del (p.Lys243del) is an in-frame deletion of three nucleotides predicted to cause a change in the length of the protein due to deletion of 1 amino acid in a non-repeat region, with at least one of the deleted base pairs highly conserved with a PhyloP conservation score of 2.5 (PM4_Supporting). This variant is present in gnomAD v.4.1.0 at a total allele frequency of 0.00001115, with 18 / 1,614,218 total alleles, which is lower than the ClinGen LCA/eoRD VCEP PM2_Supporting threshold of <0.0004 (PM2_Supporting). This variant has been reported in at least 1 proband with early-onset severe retinal dystrophy who was homozygous for the variant (0.5 points, VCEP member-provided data). This variant has also been reported in at least 2 probands with early-onset severe retinal dystrophy who were compound heterozygous with either the NM_014336.5(AIPL1):c.834G>A (p.Trp278Ter) variant suspected in trans (0.5 points, PMID: 32865313), which was previously classified pathogenic by the ClinGen LCA/eoRD VCEP, or the NM_014336.5(AIPL1):c.190G>A (p.Gly64Arg) variant confirmed in trans (1 point, VCEP member-provided data, Blueprint Genetics), which was previously classified likely pathogenic by the ClinGen LCA/eoRD VCEP (2 total points, PM3_Strong). A fourth proband with retinal dystrophy has been reported harboring the variant in the compound heterozygous state with the NM_014336.5(AIPL1):c.364G>A (p.Gly122Arg) variant, however, additional information will be required for inclusion in PM3 (VCEP member-provided data). At least one proband harboring this variant exhibits a phenotype including a diagnosis of Leber congenital amaurosis (0.5 pts) with light-seeking behavior (1 pt) from birth (1 pt), nystagmus (1 pt), central visual acuity limited to light perception (1 pt), and relatively normal fundus appearance at age 1 year with very mild granular RPE pigmentation (0.5 pts), which together are specific for AIPL1-related retinopathy (total 4 points, PMID: 32865313, PP4). In summary, this variant meets the criteria to be classified as Likely Pathogenic for AIPL1-related retinopathy based on the ACMG/AMP criteria applied, as specified by the ClinGen LCA/eoRD VCEP: PM4_Supporting, PM2_Supporting, PM3_Strong, and PP4. (VCEP specifications version 1.0.0; date of approval 09/24/2025).

Blueprint Genetics
Classification: Pathogenic for AIPL1-related disorders. Last evaluated: 2023-12-19. Review status: criteria provided, single submitter. Criteria: ACMG Guidelines, 2015. Collection method: clinical testing. Allele origin: germline. Affected: yes. Observed: 5 variant alleles. Not counted in ClinVar's aggregate classification.

Labcorp Genetics (formerly Invitae), Labcorp
Classification: Uncertain significance for Leber congenital amaurosis 4. Last evaluated: 2022-07-26. Review status: criteria provided, single submitter. Criteria: Invitae Variant Classification Sherloc (09022015). Collection method: clinical testing. Allele origin: germline. Not counted in ClinVar's aggregate classification.
Comment: This variant, c.727_729del, results in the deletion of 1 amino acid(s) of the AIPL1 protein (p.Lys243del), but otherwise preserves the integrity of the reading frame. This variant is present in population databases (rs765411357, gnomAD 0.002%). This variant has been observed in individuals with cone-rod dystrophy and/or Leber congenital amaurosis (PMID: 17964524, 32865313; Invitae). This variant is also known as Leu241 del3. Experimental studies and prediction algorithms are not available or were not evaluated, and the functional significance of this variant is currently unknown. In summary, the available evidence is currently insufficient to determine the role of this variant in disease. Therefore, it has been classified as a Variant of Uncertain Significance.

Literature cited by the submitters: PubMed 17964524 (cited by Labcorp Genetics (formerly Invitae), Labcorp); PubMed 32865313 (cited by Labcorp Genetics (formerly Invitae), Labcorp).

NM_014336.5(AIPL1):c.724AAG[1] (p.Lys243del)

Gene: AIPL1 (AIP like 1 HSP90 co-chaperone; minus strand). Cytogenetic location: 17p13.2.
Variant type: Microsatellite.
Coding change: c.724AAG[1] on transcript NM_014336.5 (MANE Select); one copy of the 3-base unit AAG starting at c.724; the reference has two copies in a row; one copy, 3 bases deleted.
Protein change: p.Lys243del; deletes lysine 243.
Molecular consequence: inframe deletion.
Genome position (GRCh38, 1-based): chr17:6,426,670-6,426,672, CTT deleted on the plus strand (AAG on the coding strand, the reverse complement: AIPL1 is on the minus strand); deleting any 3 consecutive bases within chr17:6,426,670-6,426,676 gives the same sequence; the position shown is the placement nearest the transcript's 3' end. VCF-style (leftmost placement, unchanged base first): chr17-6426669-CCTT-C. GRCh37 (hg19) VCF-style: chr17-6329989-CCTT-C.
Other names: NM_014336.5(AIPL1):c.724AAG[1]; p.Lys243del; c.535AAG[1], p.Lys180del (NM_001033054.3); c.544AAG[1], p.Lys183del (NM_001033055.3); c.688AAG[1], p.Lys231del (NM_001285399.3); c.658AAG[1], p.Lys221del (NM_001285400.3); c.652AAG[1], p.Lys219del (NM_001285401.3); c.607AAG[1], p.Lys204del (NM_001285402.2); and 1 more; short protein forms K235del, K204del, K180del, K183del, K231del, K243del, K219del, K221del.
Identifiers: ClinVar variation 1419404 (VCV001419404.4), dbSNP rs765411357, ClinGen allele CA8328415.